The following is an entry in ClinVar:

NM_012199.5(AGO1):c.785-1G>A

Genes: AGO1 (argonaute RISC component 1; plus strand), LOC126805695 (MED14-independent group 3 enhancer GRCh37_chr1:36359789-36360988; plus strand). Cytogenetic location: 1p34.3.
Variant type: single nucleotide variant.
Coding change: c.785-1G>A on transcript NM_012199.5 (MANE Select); the canonical splice acceptor site of the intron before coding-DNA position 785, G replaced by A.
Molecular consequence: splice acceptor variant.
Genome position (GRCh38, 1-based): chr1:35,894,314, G>A. VCF-style: chr1-35894314-G-A. GRCh37 (hg19) VCF-style: chr1-36359915-G-A.
Other names: c.560-1G>A (NM_001317123.2); c.785-1G>A (NM_001317122.2).
Identifiers: ClinVar variation 3367872 (VCV003367872.1).

ClinVar aggregate classification (germline): Uncertain significance (1 of 4 stars; one submission).

Submission:

GeneDx
Classification: Uncertain significance. Last evaluated: 2024-01-11. Review status: criteria provided, single submitter. Criteria: GeneDx Variant Classification Process June 2021. Collection method: clinical testing. Allele origin: germline. Affected: yes.
Comment: Not observed at significant frequency in large population cohorts (gnomAD); Canonical splice site variant in a gene or region of a gene for which loss of function is not a well-established mechanism of disease; Has not been previously published as pathogenic or benign to our knowledge